The following is an entry in ClinVar:

ClinVar aggregate classification (germline): Uncertain significance (1 of 4 stars; one submission).

Conditions:
Ullrich congenital muscular dystrophy 2 (UCMD2). Identifiers: Orphanet 75840, MedGen C4225314, MONDO:0014654, OMIM 616470.
Bethlem myopathy 2 (BTHLM2). Identifiers: Orphanet 536516, Orphanet 610, MedGen C4225313, MONDO:0034022, OMIM 616471.

Allele frequency attached by ClinVar (database versions not stated): gnomAD exomes below 0.00001.
gnomAD v4.1: 1 of 1,614,216 alleles (0.000062%); highest among the groups gnomAD compares: Non-Finnish European, 0.000085%; no homozygotes.

Submission:

Labcorp Genetics (formerly Invitae), Labcorp
Classification: Uncertain significance for Bethlem myopathy 2; Ullrich congenital muscular dystrophy 2. Last evaluated: 2022-05-03. Review status: criteria provided, single submitter. Criteria: Invitae Variant Classification Sherloc (09022015). Collection method: clinical testing. Allele origin: germline.
Comment: This variant has not been reported in the literature in individuals affected with COL12A1-related conditions. Algorithms developed to predict the effect of missense changes on protein structure and function are either unavailable or do not agree on the potential impact of this missense change (SIFT: "Deleterious"; PolyPhen-2: "Probably Damaging"; Align-GVGD: "Class C0"). In summary, the available evidence is currently insufficient to determine the role of this variant in disease. Therefore, it has been classified as a Variant of Uncertain Significance. This variant is not present in population databases (gnomAD no frequency). This sequence change replaces threonine, which is neutral and polar, with alanine, which is neutral and non-polar, at codon 826 of the COL12A1 protein (p.Thr826Ala).

NM_004370.6(COL12A1):c.2476A>G (p.Thr826Ala)

Gene: COL12A1 (collagen type XII alpha 1 chain; minus strand). Cytogenetic location: 6q13.
Variant type: single nucleotide variant.
Coding change: c.2476A>G on transcript NM_004370.6 (MANE Select); coding-DNA position 2476, A replaced by G.
Protein change: p.Thr826Ala; replaces threonine 826 with alanine.
Molecular consequence: missense variant. On other transcripts: intron variant (1).
Genome position (GRCh38, 1-based): chr6:75,175,272, T>C on the plus strand (A>G on the coding strand, the complement: COL12A1 is on the minus strand). VCF-style: chr6-75175272-T-C. GRCh37 (hg19) VCF-style: chr6-75884988-T-C.
Other names: c.74-22790A>G (NM_080645.3); short protein forms T826A.
Identifiers: ClinVar variation 1913708 (VCV001913708.5), dbSNP rs2533518480, ClinGen allele CA364762557.